The following is an entry in ClinVar:

ClinVar aggregate classification (germline): Uncertain significance. Review status: criteria provided, multiple submitters, no conflicts (2 of 4 stars). 2 submissions from 2 submitters: Uncertain significance (2). Last evaluated 2023-12-01.

Conditions:
Primary ciliary dyskinesia. Also called: Ciliary dyskinesia. Identifiers: Orphanet 244, MedGen C0008780, MONDO:0016575, HP:0012265.
Primary ciliary dyskinesia 18. Also called: CILIARY DYSKINESIA, PRIMARY, 18, WITH OR WITHOUT SITUS INVERSUS. Identifiers: Orphanet 244, MedGen C3543825, MONDO:0013940, OMIM 614874.

Allele frequency attached by ClinVar (database versions not stated): gnomAD exomes 0.00001; gnomAD 0.00002.
gnomAD v4.1: 11 of 1,606,690 alleles (0.00068%); highest among the groups gnomAD compares: South Asian, 0.0066%; no homozygotes.

Submissions (2):

Labcorp Genetics (formerly Invitae), Labcorp
Classification: Uncertain significance for Primary ciliary dyskinesia. Last evaluated: 2023-12-01. Review status: criteria provided, single submitter. Criteria: Invitae Variant Classification Sherloc (09022015). Collection method: clinical testing. Allele origin: germline.
Comment: This sequence change replaces glutamic acid, which is acidic and polar, with lysine, which is basic and polar, at codon 412 of the DNAAF5 protein (p.Glu412Lys). This variant is present in population databases (no rsID available, gnomAD 0.003%). This variant has not been reported in the literature in individuals affected with DNAAF5-related conditions. ClinVar contains an entry for this variant (Variation ID: 2440897). Advanced modeling of protein sequence and biophysical properties (such as structural, functional, and spatial information, amino acid conservation, physicochemical variation, residue mobility, and thermodynamic stability) has been performed at Invitae for this missense variant, however the output from this modeling did not meet the statistical confidence thresholds required to predict the impact of this variant on DNAAF5 protein function. In summary, the available evidence is currently insufficient to determine the role of this variant in disease. Therefore, it has been classified as a Variant of Uncertain Significance.

Revvity Omics, Revvity
Classification: Uncertain significance for Primary ciliary dyskinesia 18. Last evaluated: 2022-08-12. Review status: criteria provided, single submitter. Criteria: ACMG Guidelines, 2015. Collection method: clinical testing. Allele origin: germline.

NM_017802.4(DNAAF5):c.1234G>A (p.Glu412Lys)

Gene: DNAAF5 (dynein axonemal assembly factor 5; plus strand). Cytogenetic location: 7p22.3.
Variant type: single nucleotide variant.
Coding change: c.1234G>A on transcript NM_017802.4 (MANE Select); coding-DNA position 1234, G replaced by A.
Protein change: p.Glu412Lys; replaces glutamic acid 412 with lysine.
Molecular consequence: missense variant. On other transcripts: non-coding transcript variant (1).
Genome position (GRCh38, 1-based): chr7:754,798, G>A. VCF-style: chr7-754798-G-A. GRCh37 (hg19) VCF-style: chr7-794435-G-A.
Other names: short protein forms E412K.
Identifiers: ClinVar variation 2440897 (VCV002440897.6), dbSNP rs1470477437, ClinGen allele CA366536841.